The following is an entry in ClinVar:

ClinVar aggregate classification (germline): Likely pathogenic (1 of 4 stars; one submission).

Submission:

GeneDx
Classification: Likely pathogenic. Last evaluated: 2026-03-08. Review status: criteria provided, single submitter. Criteria: GeneDx Variant Classification Process June 2021. Collection method: clinical testing. Allele origin: germline.
Comment: Reported previously in a patient with epilepsy, periodic limb movements, developmental delay, hyperreflexia, hypotonia, minor dysmorphic features, and subcortical band heterotopia (PMID: 19619967); Initiation codon variant predicted to critically alter the protein; Not observed at significant frequency in large population cohorts (gnomAD); Located in the critical doublecortin 2 domain (PMID: 23365099); This variant is associated with the following publications: (PMID: 19619967, 23365099)

NM_001195553.2(DCX):c.1A>G (p.Met1Val)

Gene: DCX (doublecortin; minus strand). Cytogenetic location: Xq23.
Variant type: single nucleotide variant.
Coding change: c.1A>G on transcript NM_001195553.2 (MANE Select); coding-DNA position 1, A replaced by G.
Protein change: p.Met1Val; changes the start codon (methionine 1).
Molecular consequence: missense variant, initiator codon variant.
Genome position (GRCh38, 1-based): chrX:111,410,398, T>C on the plus strand (A>G on the coding strand, the complement: DCX is on the minus strand). VCF-style: chrX-111410398-T-C. GRCh37 (hg19) VCF-style: chrX-110653626-T-C.
Other names: c.244A>G, p.Met82Val (NM_000555.3); c.1A>G, p.Met1Val (NM_001369370.1, NM_001369371.1, NM_001369372.1 and 6 more transcripts); short protein forms M1V, M82V.
Identifiers: ClinVar variation 4891317 (VCV004891317.1).